The following is an entry in ClinVar:

NM_001035.3(RYR2):c.7510A>G (p.Thr2504Ala)

Gene: RYR2 (ryanodine receptor 2; plus strand). Cytogenetic location: 1q43.
Variant type: single nucleotide variant.
Coding change: c.7510A>G on transcript NM_001035.3 (MANE Select); coding-DNA position 7510, A replaced by G.
Protein change: p.Thr2504Ala; replaces threonine 2504 with alanine.
Molecular consequence: missense variant.
Genome position (GRCh38, 1-based): chr1:237,648,611, A>G. VCF-style: chr1-237648611-A-G. GRCh37 (hg19) VCF-style: chr1-237811911-A-G.
Other names: short protein forms T2504A.
Identifiers: ClinVar variation 1023746 (VCV001023746.8), dbSNP rs1480448087, ClinGen allele CA345398790.

ClinVar aggregate classification (germline): Uncertain significance (1 of 4 stars; one submission).

Conditions:
Catecholaminergic polymorphic ventricular tachycardia 1. Also called: RYR2-Related Catecholaminergic Polymorphic Ventricular Tachycardia; VENTRICULAR TACHYCARDIA, CATECHOLAMINERGIC POLYMORPHIC, 1, WITH OR WITHOUT ATRIAL DYSFUNCTION AND/OR DILATED CARDIOMYOPATHY; VENTRICULAR TACHYCARDIA, STRESS-INDUCED POLYMORPHIC 1. Identifiers: Orphanet 3286, MedGen C1631597, MONDO:0011484, OMIM 604772.

Allele frequency attached by ClinVar (database versions not stated): gnomAD exomes below 0.00001.
gnomAD v4.1: 1 of 1,608,046 alleles (0.000062%); highest among the groups gnomAD compares: Non-Finnish European, 0.000085%; no homozygotes.

Submission:

Labcorp Genetics (formerly Invitae), Labcorp
Classification: Uncertain significance for Catecholaminergic polymorphic ventricular tachycardia 1. Last evaluated: 2022-08-09. Review status: criteria provided, single submitter. Criteria: Invitae Variant Classification Sherloc (09022015). Collection method: clinical testing. Allele origin: germline.
Comment: In summary, the available evidence is currently insufficient to determine the role of this variant in disease. Therefore, it has been classified as a Variant of Uncertain Significance. Algorithms developed to predict the effect of sequence changes on RNA splicing suggest that this variant may disrupt the consensus splice site. Algorithms developed to predict the effect of missense changes on protein structure and function (SIFT, PolyPhen-2, Align-GVGD) all suggest that this variant is likely to be disruptive. ClinVar contains an entry for this variant (Variation ID: 1023746). This variant has not been reported in the literature in individuals affected with RYR2-related conditions. This variant is not present in population databases (gnomAD no frequency). This sequence change replaces threonine, which is neutral and polar, with alanine, which is neutral and non-polar, at codon 2504 of the RYR2 protein (p.Thr2504Ala).